The following is an entry in ClinVar:

NM_002439.5(MSH3):c.1764-2A>C

Gene: MSH3 (mutS homolog 3; plus strand). Cytogenetic location: 5q14.1.
Variant type: single nucleotide variant.
Coding change: c.1764-2A>C on transcript NM_002439.5 (MANE Select); the canonical splice acceptor site of the intron before coding-DNA position 1764, A replaced by C.
Molecular consequence: splice acceptor variant.
Genome position (GRCh38, 1-based): chr5:80,761,544, A>C. VCF-style: chr5-80761544-A-C. GRCh37 (hg19) VCF-style: chr5-80057363-A-C.
Identifiers: ClinVar variation 1779630 (VCV001779630.6), dbSNP rs773032453, ClinGen allele CA360276462.

ClinVar aggregate classification (germline): Pathogenic/Likely pathogenic. Review status: criteria provided, multiple submitters, no conflicts (2 of 4 stars). 2 submissions from 2 submitters: Pathogenic (1); Likely pathogenic (1). Last evaluated 2025-01-24.

Conditions:
Hereditary cancer-predisposing syndrome. Also called: Neoplastic Syndromes, Hereditary; Tumor predisposition; Hereditary Cancer Syndrome; Hereditary neoplastic syndrome. Identifiers: Orphanet 140162, MedGen C0027672, MeSH D009386, MONDO:0015356.

Submissions (2):

Ambry Genetics
Classification: Likely pathogenic for Hereditary cancer-predisposing syndrome. Last evaluated: 2025-01-24. Review status: criteria provided, single submitter. Criteria: Ambry Variant Classification Scheme 2023. Collection method: clinical testing. Allele origin: germline.
Comment: The c.1764-2A>C intronic variant results from an A to C substitution two nucleotides upstream from coding exon 13 in the MSH3 gene. This variant is considered to be rare based on population cohorts in the Genome Aggregation Database (gnomAD). This nucleotide position is highly conserved in available vertebrate species. In silico splice site analysis predicts that this alteration will weaken the native splice acceptor site. RNA studies have demonstrated that this alteration results in abnormal splicing in the set of samples tested (Ambry internal data). Alterations that disrupt the canonical splice site are expected to cause aberrant splicing, resulting in an abnormal protein or a transcript that is subject to nonsense-mediated mRNA decay. As such, this alteration is classified as likely pathogenic.

Labcorp Genetics (formerly Invitae), Labcorp
Classification: Pathogenic. Last evaluated: 2025-01-15. Review status: criteria provided, single submitter. Criteria: Invitae Variant Classification Sherloc (09022015). Collection method: clinical testing. Allele origin: germline.
Comment: This sequence change affects an acceptor splice site in intron 12 of the MSH3 gene. RNA analysis indicates that disruption of this splice site induces altered splicing and may result in an absent or altered protein product. This variant is not present in population databases (gnomAD no frequency). This variant has not been reported in the literature in individuals affected with MSH3-related conditions. ClinVar contains an entry for this variant (Variation ID: 1779630). Studies have shown that disruption of this splice site results in skipping of exon 13, and produces a non-functional protein and/or introduces a premature termination codon (internal data). For these reasons, this variant has been classified as Pathogenic.